The following is an entry in ClinVar:

NM_006939.4(SOS2):c.63A>G (p.Gly21=)

Genes: SOS2 (SOS Ras/Rho guanine nucleotide exchange factor 2; minus strand), LOC130055588 (ATAC-STARR-seq lymphoblastoid silent region 5718; plus strand). Cytogenetic location: 14q21.3.
Variant type: single nucleotide variant.
Coding change: c.63A>G on transcript NM_006939.4 (MANE Select); coding-DNA position 63, A replaced by G.
Protein change: p.Gly21=; no amino-acid change (glycine 21 retained).
Molecular consequence: synonymous variant.
Genome position (GRCh38, 1-based): chr14:50,231,221, T>C on the plus strand (A>G on the coding strand, the complement: SOS2 is on the minus strand). VCF-style: chr14-50231221-T-C. GRCh37 (hg19) VCF-style: chr14-50697939-T-C.
Other names: c.63A>G (NM_006939.3).
Identifiers: ClinVar variation 1588548 (VCV001588548.17), dbSNP rs761849560, ClinGen allele CA7177656.

ClinVar aggregate classification (germline): Likely benign. Review status: criteria provided, multiple submitters, no conflicts (2 of 4 stars). 6 submissions from 6 submitters: Likely benign (5). 1 of the submissions does not count toward it. Last evaluated 2026-02-01.

Conditions:
SOS2-related disorder. Also called: SOS2-related condition.
Cardiovascular phenotype. Identifiers: MedGen CN230736.
Noonan syndrome 9 (NS9). Identifiers: Orphanet 648, MedGen C4225282, MONDO:0014691, OMIM 616559.

Allele frequency attached by ClinVar (database versions not stated): gnomAD 0.00002 and 0.00003; ExAC 0.00005.
gnomAD v4.1: 38 of 1,501,888 alleles (0.0025%); highest among the groups gnomAD compares: Middle Eastern, 0.018%; no homozygotes.

Submissions (6):

Labcorp Genetics (formerly Invitae), Labcorp
Classification: Likely benign for Noonan syndrome 9. Last evaluated: 2026-02-01. Review status: criteria provided, single submitter. Criteria: Invitae Variant Classification Sherloc (09022015). Collection method: clinical testing. Allele origin: germline.

Women's Health and Genetics/Laboratory Corporation of America, LabCorp
Classification: Likely benign. Last evaluated: 2024-05-09. Review status: criteria provided, single submitter. Criteria: LabCorp Variant Classification Summary - May 2015. Collection method: clinical testing. Allele origin: germline.

Ambry Genetics
Classification: Likely benign for Cardiovascular phenotype. Last evaluated: 2019-09-06. Review status: criteria provided, single submitter. Criteria: Ambry Variant Classification Scheme 2023. Collection method: clinical testing. Allele origin: germline.

Breakthrough Genomics
Classification: Likely benign. Review status: criteria provided, single submitter. Criteria: ACMG Guidelines, 2015. Collection method: not provided. Allele origin: germline. Inheritance: Autosomal dominant inheritance. Affected: yes.

Genome-Nilou Lab
Classification: Likely benign for Noonan syndrome 9. Review status: criteria provided, single submitter. Criteria: ACMG Guidelines, 2015. Collection method: clinical testing. Allele origin: germline.

PreventionGenetics, part of Exact Sciences
Classification: Likely benign for SOS2-related condition. Last evaluated: 2019-07-03. Review status: no assertion criteria provided. Collection method: clinical testing. Allele origin: germline. Not counted in ClinVar's aggregate classification.
Comment: This variant is classified as likely benign based on ACMG/AMP sequence variant interpretation guidelines (Richards et al. 2015 PMID: 25741868, with internal and published modifications).